The following is an entry in ClinVar:

NM_001267550.2(TTN):c.55264A>G (p.Met18422Val)

Genes: TTN-AS1 (TTN antisense RNA 1; plus strand), TTN (titin; minus strand). Cytogenetic location: 2q31.2.
Variant type: single nucleotide variant.
Coding change: c.55264A>G on transcript NM_001267550.2 (MANE Select); coding-DNA position 55264, A replaced by G.
Protein change: p.Met18422Val; replaces methionine 18422 with valine.
Molecular consequence: missense variant.
Genome position (GRCh38, 1-based): chr2:178,602,007, T>C on the plus strand (A>G on the coding strand, the complement: TTN is on the minus strand). VCF-style: chr2-178602007-T-C. GRCh37 (hg19) VCF-style: chr2-179466734-T-C.
Other names: c.50341A>G, p.Met16781Val (NM_001256850.1); c.28069A>G, p.Met9357Val (NM_003319.4); c.47560A>G, p.Met15854Val (NM_133378.4); c.28444A>G, p.Met9482Val (NM_133432.3); c.28645A>G, p.Met9549Val (NM_133437.4); short protein forms M9549V, M16781V, M9482V, M9357V, M15854V, M18422V.
Identifiers: ClinVar variation 1028574 (VCV001028574.1), dbSNP rs2053594072, ClinGen allele CA349543242.

ClinVar aggregate classification (germline): Uncertain significance (1 of 4 stars; one submission).

Conditions:
Dilated cardiomyopathy 1G (CMD1G). Identifiers: Orphanet 154, MedGen C1858763, MONDO:0011400, OMIM 604145.

Submission:

Baylor Genetics
Classification: Uncertain significance for Dilated cardiomyopathy 1G. Last evaluated: 2020-06-03. Review status: criteria provided, single submitter. Criteria: ACMG Guidelines, 2015. Collection method: clinical testing. Allele origin: unknown. Affected: yes.
Comment: This variant was determined to be of uncertain significance according to ACMG Guidelines, 2015 [PMID:25741868].